The following is an entry in ClinVar:

ClinVar aggregate classification (germline): Conflicting classifications of pathogenicity. Review status: criteria provided, conflicting classifications (1 of 4 stars). 2 submissions from 2 submitters: Uncertain significance (1); Likely benign (1). Last evaluated 2024-06-01.

Conditions:
Cardiovascular phenotype. Identifiers: MedGen CN230736.

Allele frequency attached by ClinVar (database versions not stated): gnomAD 0.00003; gnomAD exomes 0.00003; ExAC 0.00006; TOPMed 0.00008; ESP Exome Variant Server 0.00013.
gnomAD v4.1: 45 of 1,612,700 alleles (0.0028%); highest among the groups gnomAD compares: Middle Eastern, 0.016%; no homozygotes.

Submissions (2):

CeGaT Center for Human Genetics Tuebingen
Classification: Uncertain significance. Last evaluated: 2024-06-01. Review status: criteria provided, single submitter. Criteria: CeGaT Center For Human Genetics Tuebingen Variant Classification Criteria Version 2. Collection method: clinical testing. Allele origin: germline. Affected: yes. Observed: 1 variant allele.
Comment: TNXB: PM2, BP4

Ambry Genetics
Classification: Likely benign for Cardiovascular phenotype. Last evaluated: 2024-01-03. Review status: criteria provided, single submitter. Criteria: Ambry Variant Classification Scheme 2023. Collection method: clinical testing. Allele origin: germline.

NM_001365276.2(TNXB):c.7457G>A (p.Arg2486Gln)

Gene: TNXB (tenascin XB; minus strand). Cytogenetic location: 6p21.33.
Variant type: single nucleotide variant.
Coding change: c.7457G>A on transcript NM_001365276.2 (MANE Select); coding-DNA position 7457, G replaced by A.
Protein change: p.Arg2486Gln; replaces arginine 2486 with glutamine.
Molecular consequence: missense variant.
Genome position (GRCh38, 1-based): chr6:32,061,432, C>T on the plus strand (G>A on the coding strand, the complement: TNXB is on the minus strand). VCF-style: chr6-32061432-C-T. GRCh37 (hg19) VCF-style: chr6-32029209-C-T.
Other names: c.7457G>A, p.Arg2486Gln (NM_019105.8); short protein forms R2486Q.
Identifiers: ClinVar variation 1758993 (VCV001758993.20), dbSNP rs201546972, ClinGen allele CA3734151.